The following is an entry in ClinVar:

ClinVar aggregate classification (germline): Uncertain significance (1 of 4 stars; one submission).

Submission:

Labcorp Genetics (formerly Invitae), Labcorp
Classification: Uncertain significance. Last evaluated: 2025-12-04. Review status: criteria provided, single submitter. Criteria: Invitae Variant Classification Sherloc (09022015). Collection method: clinical testing. Allele origin: germline.
Comment: This sequence change replaces asparagine, which is neutral and polar, with aspartic acid, which is acidic and polar, at codon 1285 of the FLNB protein (p.Asn1285Asp). This variant is not present in population databases (gnomAD no frequency). This variant has not been reported in the literature in individuals affected with FLNB-related conditions. Invitae Evidence Modeling of protein sequence and biophysical properties (such as structural, functional, and spatial information, amino acid conservation, physicochemical variation, residue mobility, and thermodynamic stability) indicates that this missense variant is not expected to disrupt FLNB protein function with a negative predictive value of 95%. In summary, the available evidence is currently insufficient to determine the role of this variant in disease. Therefore, it has been classified as a Variant of Uncertain Significance.

NM_001457.4(FLNB):c.3853A>G (p.Asn1285Asp)

Gene: FLNB (filamin B; plus strand). Cytogenetic location: 3p14.3.
Variant type: single nucleotide variant.
Coding change: c.3853A>G on transcript NM_001457.4 (MANE Select); coding-DNA position 3853, A replaced by G.
Protein change: p.Asn1285Asp; replaces asparagine 1285 with aspartic acid.
Molecular consequence: missense variant.
Genome position (GRCh38, 1-based): chr3:58,124,460, A>G. VCF-style: chr3-58124460-A-G. GRCh37 (hg19) VCF-style: chr3-58110187-A-G.
Other names: c.3853A>G, p.Asn1285Asp (NM_001164317.2, NM_001164318.2, NM_001164319.2); short protein forms N1285D.
Identifiers: ClinVar variation 4701350 (VCV004701350.1).